The following is an entry in ClinVar:

ClinVar aggregate classification (germline): Uncertain significance (1 of 4 stars; one submission).

Conditions:
Hereditary hyperekplexia. Identifiers: Orphanet 3197, MedGen C4084968, MONDO:0021022.

Submission:

Labcorp Genetics (formerly Invitae), Labcorp
Classification: Uncertain significance for Hereditary hyperekplexia. Last evaluated: 2025-06-12. Review status: criteria provided, single submitter. Criteria: Invitae Variant Classification Sherloc (09022015). Collection method: clinical testing. Allele origin: germline.
Comment: This sequence change replaces leucine, which is neutral and non-polar, with phenylalanine, which is neutral and non-polar, at codon 327 of the GLRA1 protein (p.Leu327Phe). This variant is not present in population databases (gnomAD no frequency). This variant has not been reported in the literature in individuals affected with GLRA1-related conditions. ClinVar contains an entry for this variant (Variation ID: 2869173). Invitae Evidence Modeling of protein sequence and biophysical properties (such as structural, functional, and spatial information, amino acid conservation, physicochemical variation, residue mobility, and thermodynamic stability) indicates that this missense variant is not expected to disrupt GLRA1 protein function with a negative predictive value of 80%. In summary, the available evidence is currently insufficient to determine the role of this variant in disease. Therefore, it has been classified as a Variant of Uncertain Significance.

NM_000171.4(GLRA1):c.981A>T (p.Leu327Phe)

Gene: GLRA1 (glycine receptor alpha 1; minus strand). Cytogenetic location: 5q33.1.
Variant type: single nucleotide variant.
Coding change: c.981A>T on transcript NM_000171.4 (MANE Select); coding-DNA position 981, A replaced by T.
Protein change: p.Leu327Phe; replaces leucine 327 with phenylalanine.
Molecular consequence: missense variant.
Genome position (GRCh38, 1-based): chr5:151,828,999, T>A on the plus strand (A>T on the coding strand, the complement: GLRA1 is on the minus strand). VCF-style: chr5-151828999-T-A. GRCh37 (hg19) VCF-style: chr5-151208560-T-A.
Other names: c.981A>T, p.Leu327Phe (NM_001146040.2); c.732A>T, p.Leu244Phe (NM_001292000.2); short protein forms L327F, L244F.
Identifiers: ClinVar variation 2869173 (VCV002869173.3), dbSNP rs769499149, ClinGen allele CA130010092.
Genomic context (GRCh38, chr5:151,828,999, plus strand): 5'-CCTCCTGAATCGGAGCAGCTCCTTATGTTGCCGAGACACAAAGTTAACGGCAGCATATTC[T>A]AATAGGGCTGAGAACACAAAGAGCAGGCAAACTGCCATCCAAATGTCAATGGCTTTCACA-3'
Protein context (NP_000162.2, residues 317-337): VCLLFVFSAL[Leu327Phe]EYAAVNFVSR